The following is an entry in ClinVar:

ClinVar aggregate classification (germline): Uncertain significance. Review status: criteria provided, multiple submitters, no conflicts (2 of 4 stars). 2 submissions from 2 submitters: Uncertain significance (2). Last evaluated 2022-05-30.

Conditions:
Familial thoracic aortic aneurysm and aortic dissection (TAAD). Also called: Thoracic aortic aneurysms and dissections. Identifiers: Orphanet 91387, MedGen C4707243, MONDO:0019625.
Aortic aneurysm, familial thoracic 7 (AAT7). Also called: AORTIC DISSECTION, FAMILIAL, WITH OR WITHOUT AORTIC ANEURYSM. Identifiers: MedGen C3151077, MONDO:0013418, OMIM 613780.

Allele frequency attached by ClinVar (database versions not stated): gnomAD exomes below 0.00001 and 0.00001.

Submissions (2):

Labcorp Genetics (formerly Invitae), Labcorp
Classification: Uncertain significance for Aortic aneurysm, familial thoracic 7. Last evaluated: 2022-05-30. Review status: criteria provided, single submitter. Criteria: Invitae Variant Classification Sherloc (09022015). Collection method: clinical testing. Allele origin: germline.
Comment: Advanced modeling of protein sequence and biophysical properties (such as structural, functional, and spatial information, amino acid conservation, physicochemical variation, residue mobility, and thermodynamic stability) performed at Invitae indicates that this missense variant is not expected to disrupt MYLK protein function. This sequence change replaces methionine, which is neutral and non-polar, with isoleucine, which is neutral and non-polar, at codon 1902 of the MYLK protein (p.Met1902Ile). This variant is present in population databases (no rsID available, gnomAD 0.006%). This variant has not been reported in the literature in individuals affected with MYLK-related conditions. ClinVar contains an entry for this variant (Variation ID: 520016). In summary, the available evidence is currently insufficient to determine the role of this variant in disease. Therefore, it has been classified as a Variant of Uncertain Significance.

Ambry Genetics
Classification: Uncertain significance for Familial thoracic aortic aneurysm and aortic dissection. Last evaluated: 2017-10-10. Review status: criteria provided, single submitter. Criteria: Ambry Variant Classification Scheme 2023. Collection method: clinical testing. Allele origin: germline.
Comment: The p.M1902I variant (also known as c.5706G>A), located in coding exon 31 of the MYLK gene, results from a G to A substitution at nucleotide position 5706. The methionine at codon 1902 is replaced by isoleucine, an amino acid with highly similar properties. This amino acid position is highly conserved in available vertebrate species. In addition, the in silico prediction for this alteration is inconclusive. Since supporting evidence is limited at this time, the clinical significance of this alteration remains unclear.

NM_053025.4(MYLK):c.5706G>A (p.Met1902Ile)

Genes: MYLK-AS1 (MYLK antisense RNA 1; plus strand), MYLK (myosin light chain kinase; minus strand). Cytogenetic location: 3q21.1.
Variant type: single nucleotide variant.
Coding change: c.5706G>A on transcript NM_053025.4 (MANE Select); coding-DNA position 5706, G replaced by A.
Protein change: p.Met1902Ile; replaces methionine 1902 with isoleucine.
Molecular consequence: missense variant.
Genome position (GRCh38, 1-based): chr3:123,614,144, C>T on the plus strand (G>A on the coding strand, the complement: MYLK is on the minus strand). VCF-style: chr3-123614144-C-T. GRCh37 (hg19) VCF-style: chr3-123332991-C-T.
Other names: c.5178G>A, p.Met1726Ile (NM_001321309.2); c.5499G>A, p.Met1833Ile (NM_053026.4); c.5553G>A, p.Met1851Ile (NM_053027.4); c.5346G>A, p.Met1782Ile (NM_053028.4); c.423G>A, p.Met141Ile (NM_053031.4); c.426G>A, p.Met142Ile (NM_053032.4); short protein forms M1902I, M1782I, M1726I, M1833I, M141I, M142I, M1851I.
Identifiers: ClinVar variation 520016 (VCV000520016.10), dbSNP rs1194619668, ClinGen allele CA354228478.
Genomic context (GRCh38, chr3:123,614,144, plus strand): 5'-CTGCTTTTCTCTGGCTTTGTTTCACTCTTCTTCCTCTTCCCCTTCCCCTTCACCTTCCTC[C>T]ATCGTTTCCACAATGAGCTCTGCTGTGCAGGTGGCTTCTCCAAGACTGTTGACAGCCTTG-3'
Protein context (NP_444253.3, residues 1892-1912): TCTAELIVET[Met1902Ile]EEGEGEGEEE